The following is an entry in ClinVar:

NM_017613.4(DONSON):c.74G>A (p.Arg25Lys)

Gene: DONSON (DNA replication fork stabilization factor DONSON; minus strand). Cytogenetic location: 21q22.11.
Variant type: single nucleotide variant.
Coding change: c.74G>A on transcript NM_017613.4 (MANE Select); coding-DNA position 74, G replaced by A.
Protein change: p.Arg25Lys; replaces arginine 25 with lysine.
Molecular consequence: missense variant.
Genome position (GRCh38, 1-based): chr21:33,588,568, C>T on the plus strand (G>A on the coding strand, the complement: DONSON is on the minus strand). VCF-style: chr21-33588568-C-T. GRCh37 (hg19) VCF-style: chr21-34960874-C-T.
Other names: short protein forms R25K.
Identifiers: ClinVar variation 1407365 (VCV001407365.6), dbSNP rs1202690599, ClinGen allele CA410145667.

ClinVar aggregate classification (germline): Uncertain significance (1 of 4 stars; one submission).

gnomAD v4.1: 17 of 1,254,270 alleles (0.0014%); highest among the groups gnomAD compares: Non-Finnish European, 0.0016%; no homozygotes.

Submission:

Labcorp Genetics (formerly Invitae), Labcorp
Classification: Uncertain significance. Last evaluated: 2024-04-25. Review status: criteria provided, single submitter. Criteria: Invitae Variant Classification Sherloc (09022015). Collection method: clinical testing. Allele origin: germline.
Comment: This sequence change replaces arginine, which is basic and polar, with lysine, which is basic and polar, at codon 25 of the DONSON protein (p.Arg25Lys). This variant is present in population databases (no rsID available, gnomAD 0.007%). This variant has not been reported in the literature in individuals affected with DONSON-related conditions. ClinVar contains an entry for this variant (Variation ID: 1407365). Advanced modeling of protein sequence and biophysical properties (such as structural, functional, and spatial information, amino acid conservation, physicochemical variation, residue mobility, and thermodynamic stability) performed at Invitae indicates that this missense variant is not expected to disrupt DONSON protein function with a negative predictive value of 80%. In summary, the available evidence is currently insufficient to determine the role of this variant in disease. Therefore, it has been classified as a Variant of Uncertain Significance.